The following is an entry in ClinVar:

ClinVar aggregate classification (germline): Uncertain significance (1 of 4 stars; one submission).

Conditions:
Hereditary cancer-predisposing syndrome. Also called: Tumor predisposition; Hereditary neoplastic syndrome; Hereditary Cancer Syndrome; Neoplastic Syndromes, Hereditary. Identifiers: Orphanet 140162, MedGen C0027672, MeSH D009386, MONDO:0015356.

Submission:

Color Diagnostics, LLC DBA Color Health
Classification: Uncertain significance for Hereditary cancer-predisposing syndrome. Last evaluated: 2020-09-29. Review status: criteria provided, single submitter. Criteria: ACMG Guidelines, 2015. Collection method: clinical testing. Allele origin: germline.
Comment: This variant causes a G to C nucleotide substitution at the +5 position of intron 11 of the CHEK2 gene. Splice site prediction tools predict that this variant may have a significant impact on RNA splicing. Although this prediction has not been confirmed in published RNA studies, this variant is expected to result in an absent or disrupted protein product. To our knowledge, functional studies have not been reported for this variant. This variant has not been reported in individuals affected with hereditary cancer in the literature. This variant has not been identified in the general population by the Genome Aggregation Database (gnomAD). The available evidence is insufficient to determine the role of this variant in disease conclusively. Therefore, this variant is classified as a Variant of Uncertain Significance.

NM_007194.4(CHEK2):c.1259+5G>C

Gene: CHEK2 (checkpoint kinase 2; minus strand). Cytogenetic location: 22q12.1.
Variant type: single nucleotide variant.
Coding change: c.1259+5G>C on transcript NM_007194.4 (MANE Select); 5 bases into the intron after coding-DNA position 1259, G replaced by C.
Molecular consequence: intron variant.
Genome position (GRCh38, 1-based): chr22:28,695,705, C>G on the plus strand (G>C on the coding strand, the complement: CHEK2 is on the minus strand). VCF-style: chr22-28695705-C-G. GRCh37 (hg19) VCF-style: chr22-29091693-C-G.
Other names: c.596+5G>C (NM_001437942.1, NM_001257387.3); c.1058+5G>C (NM_001349956.3); c.1172+5G>C (NM_145862.3); c.1265+5G>C (NM_001438295.1); c.1352+5G>C (NM_001438293.1); c.1301+5G>C (NM_001438294.1); c.1388+5G>C (NM_001005735.3).
Identifiers: ClinVar variation 1171383 (VCV001171383.2), dbSNP rs1555913629, ClinGen allele CA2499226060.